The following is an entry in ClinVar:

NM_001042492.3(NF1):c.4902T>G (p.Tyr1634Ter)

Gene: NF1 (neurofibromin 1; plus strand). Cytogenetic location: 17q11.2.
Variant type: single nucleotide variant.
Coding change: c.4902T>G on transcript NM_001042492.3 (MANE Select); coding-DNA position 4902, T replaced by G.
Protein change: p.Tyr1634Ter; replaces tyrosine 1634 with a stop codon.
Molecular consequence: nonsense.
Genome position (GRCh38, 1-based): chr17:31,325,886, T>G. VCF-style: chr17-31325886-T-G. GRCh37 (hg19) VCF-style: chr17-29652904-T-G.
Other names: c.4839T>G, p.Tyr1613Ter (NM_000267.4); short protein forms Y1613*, Y1634*.
Identifiers: ClinVar variation 4685816 (VCV004685816.2).

ClinVar aggregate classification (germline): Pathogenic. Review status: criteria provided, multiple submitters, no conflicts (2 of 4 stars). 2 submissions from 2 submitters: Pathogenic (2). Last evaluated 2024-12-23.

Conditions:
NF1-related disorder. Also called: NF1-related condition. Identifiers: MedGen CN379171.

Submissions (2):

ARUP Laboratories, Molecular Genetics and Genomics, ARUP Laboratories
Classification: Pathogenic. Last evaluated: 2024-12-23. Review status: criteria provided, single submitter. Criteria: ARUP Molecular Germline Variant Investigation Process 2024. Collection method: clinical testing. Allele origin: germline.
Comment: The NF1 c.4902T>G; p.Tyr1634Ter variant, also reported as Y1613X in transcript NM_000267.3, is described in the literature in a family with features of neurofibromatosis (Peters 1999). This variant is absent from the Genome Aggregation Database (v2.1.1), indicating it is not a common polymorphism. This variant induces an early termination codon and is predicted to result in a truncated protein or mRNA subject to nonsense-mediated decay. Based on available information, this variant is considered to be pathogenic. References: Peters H et al Mutation screening of neurofibromatosis type 1 (NF1) exons 28 and 29 with single strand conformation polymorphism (SSCP): five novel mutations, one recurrent transition and two polymorphisms in a panel of 118 unrelated NF1 patients. Mutations in brief no. 229. Online. Hum Mutat. 1999;13(3):258. PMID: 10090487.

Blueprint Genetics
Classification: Pathogenic for NF1-related disorders. Last evaluated: 2019-12-10. Review status: criteria provided, single submitter. Criteria: ACMG Guidelines, 2015. Collection method: clinical testing. Allele origin: germline. Affected: yes. Observed: 1 variant allele.